The following is an entry in ClinVar:

ClinVar aggregate classification (germline): Uncertain significance (1 of 4 stars; one submission).

Allele frequency attached by ClinVar (database versions not stated): gnomAD 0.00002; gnomAD exomes 0.00002; TOPMed 0.00002; ExAC 0.00005; ESP Exome Variant Server 0.00015.
gnomAD v4.1: 29 of 1,613,714 alleles (0.0018%); highest among the groups gnomAD compares: East Asian, 0.02%; no homozygotes.

Submission:

Labcorp Genetics (formerly Invitae), Labcorp
Classification: Uncertain significance. Last evaluated: 2022-01-01. Review status: criteria provided, single submitter. Criteria: Invitae Variant Classification Sherloc (09022015). Collection method: clinical testing. Allele origin: germline.
Comment: In summary, the available evidence is currently insufficient to determine the role of this variant in disease. Therefore, it has been classified as a Variant of Uncertain Significance. Algorithms developed to predict the effect of missense changes on protein structure and function are either unavailable or do not agree on the potential impact of this missense change (SIFT: "Deleterious"; PolyPhen-2: "Benign"; Align-GVGD: "Class C25"). This variant has not been reported in the literature in individuals affected with TSEN2-related conditions. This variant is present in population databases (rs148017012, gnomAD 0.006%). This sequence change replaces arginine, which is basic and polar, with tryptophan, which is neutral and slightly polar, at codon 370 of the TSEN2 protein (p.Arg370Trp).

NM_025265.4(TSEN2):c.1108C>T (p.Arg370Trp)

Gene: TSEN2 (tRNA splicing endonuclease subunit 2; plus strand). Cytogenetic location: 3p25.2.
Variant type: single nucleotide variant.
Coding change: c.1108C>T on transcript NM_025265.4 (MANE Select); coding-DNA position 1108, C replaced by T.
Protein change: p.Arg370Trp; replaces arginine 370 with tryptophan.
Molecular consequence: missense variant. On other transcripts: non-coding transcript variant (1).
Genome position (GRCh38, 1-based): chr3:12,528,896, C>T. VCF-style: chr3-12528896-C-T. GRCh37 (hg19) VCF-style: chr3-12570395-C-T.
Other names: c.1108C>T, p.Arg370Trp (NM_001145392.2, NM_001321277.2, NM_001321278.2); c.1030C>T, p.Arg344Trp (NM_001145393.3, NM_001321279.2); c.931C>T, p.Arg311Trp (NM_001145394.2); short protein forms R344W, R311W, R370W.
Identifiers: ClinVar variation 2172103 (VCV002172103.2), dbSNP rs148017012, ClinGen allele CA2258732.
Genomic context (GRCh38, chr3:12,528,896, plus strand): 5'-TCTCTCATTATTTTGAGTGGTTATACTTCTTTTTTTTCTTTCTTCTTTGCAGTGCTATAT[C>T]GGAAAGGCCCTCCATTTTACCATGCAAGGTTCGGAGTGATTTTTAAATAAACTAATGGGT-3'
Protein context (NP_079541.1, residues 360-380): LKYGTDLLLY[Arg370Trp]KGPPFYHASY